The following is an entry in ClinVar:

ClinVar aggregate classification (germline): Uncertain significance (1 of 4 stars; one submission).

Allele frequency attached by ClinVar (database versions not stated): TOPMed below 0.00001; gnomAD 0.00001.
gnomAD v4.1: 1 of 1,613,910 alleles (0.000062%); highest among the groups gnomAD compares: Non-Finnish European, 0.000085%; no homozygotes.

Submission:

Ambry Genetics
Classification: Uncertain significance. Last evaluated: 2022-12-12. Review status: criteria provided, single submitter. Criteria: Ambry Variant Classification Scheme 2023. Collection method: clinical testing. Allele origin: germline.
Comment: The p.S687R variant (also known as c.2061C>G), located in coding exon 18 of the RAD54L gene, results from a C to G substitution at nucleotide position 2061. The serine at codon 687 is replaced by arginine, an amino acid with dissimilar properties. This amino acid position is conserved. In addition, this alteration is predicted to be tolerated by in silico analysis. Since supporting evidence is limited at this time, the clinical significance of this alteration remains unclear.

NM_003579.4(RAD54L):c.2061C>G (p.Ser687Arg)

Genes: LRRC41 (leucine rich repeat containing 41; minus strand), RAD54L (RAD54 like; plus strand). Cytogenetic location: 1p34.1.
Variant type: single nucleotide variant.
Coding change: c.2061C>G on transcript NM_003579.4 (MANE Select); coding-DNA position 2061, C replaced by G.
Protein change: p.Ser687Arg; replaces serine 687 with arginine.
Molecular consequence: missense variant. On other transcripts: 3 prime UTR variant (1).
Genome position (GRCh38, 1-based): chr1:46,278,099, C>G. VCF-style: chr1-46278099-C-G. GRCh37 (hg19) VCF-style: chr1-46743771-C-G.
Other names: c.*766G>C (NM_006369.5); c.2061C>G, p.Ser687Arg (NM_001142548.2); c.1521C>G, p.Ser507Arg (NM_001370766.1); short protein forms S687R, S507R.
Identifiers: ClinVar variation 2496814 (VCV002496814.2), dbSNP rs1660674006, ClinGen allele CA340190920.